The following is an entry in ClinVar:

ClinVar aggregate classification (germline): Uncertain significance. Review status: criteria provided, multiple submitters, no conflicts (2 of 4 stars). 3 submissions from 3 submitters: Uncertain significance (3). Last evaluated 2024-12-23.

Conditions:
Primary ciliary dyskinesia. Also called: Ciliary dyskinesia. Identifiers: Orphanet 244, MedGen C0008780, MONDO:0016575, HP:0012265.

Allele frequency attached by ClinVar (database versions not stated): TOPMed 0.00006; ESP Exome Variant Server 0.00008; gnomAD 0.00003.
gnomAD v4.1: 184 of 1,613,634 alleles (0.011%); highest among the groups gnomAD compares: Non-Finnish European, 0.015%; no homozygotes.

Submissions (3):

Ambry Genetics
Classification: Uncertain significance for Primary ciliary dyskinesia. Last evaluated: 2024-12-23. Review status: criteria provided, single submitter. Criteria: Ambry Variant Classification Scheme 2023. Collection method: clinical testing. Allele origin: germline.

Labcorp Genetics (formerly Invitae), Labcorp
Classification: Uncertain significance for Primary ciliary dyskinesia. Last evaluated: 2022-07-12. Review status: criteria provided, single submitter. Criteria: Invitae Variant Classification Sherloc (09022015). Collection method: clinical testing. Allele origin: germline.
Comment: This sequence change replaces serine, which is neutral and polar, with arginine, which is basic and polar, at codon 817 of the DNAAF5 protein (p.Ser817Arg). This variant is present in population databases (rs142621969, gnomAD 0.01%). This variant has not been reported in the literature in individuals affected with DNAAF5-related conditions. ClinVar contains an entry for this variant (Variation ID: 666007). Algorithms developed to predict the effect of missense changes on protein structure and function are either unavailable or do not agree on the potential impact of this missense change (SIFT: "Deleterious"; PolyPhen-2: "Benign"; Align-GVGD: "Class C15"). In summary, the available evidence is currently insufficient to determine the role of this variant in disease. Therefore, it has been classified as a Variant of Uncertain Significance.

Breakthrough Genomics
Classification: Uncertain significance. Review status: criteria provided, single submitter. Criteria: ACMG Guidelines, 2015. Collection method: not provided. Allele origin: germline. Inheritance: Autosomal recessive inheritance. Affected: yes.

NM_017802.4(DNAAF5):c.2451C>A (p.Ser817Arg)

Gene: DNAAF5 (dynein axonemal assembly factor 5; plus strand). Cytogenetic location: 7p22.3.
Variant type: single nucleotide variant.
Coding change: c.2451C>A on transcript NM_017802.4 (MANE Select); coding-DNA position 2451, C replaced by A.
Protein change: p.Ser817Arg; replaces serine 817 with arginine.
Molecular consequence: missense variant. On other transcripts: non-coding transcript variant (1).
Genome position (GRCh38, 1-based): chr7:785,536, C>A. VCF-style: chr7-785536-C-A. GRCh37 (hg19) VCF-style: chr7-825173-C-A.
Other names: short protein forms S817R.
Identifiers: ClinVar variation 666007 (VCV000666007.9), dbSNP rs142621969, ClinGen allele CA4111218.